The following is an entry in ClinVar:

ClinVar aggregate classification (germline): Uncertain significance. Review status: criteria provided, multiple submitters, no conflicts (2 of 4 stars). 5 submissions from 5 submitters: Uncertain significance (5). Last evaluated 2025-12-20.

Conditions:
Hereditary cancer-predisposing syndrome. Also called: Tumor predisposition; Hereditary Cancer Syndrome; Hereditary neoplastic syndrome; Neoplastic Syndromes, Hereditary. Identifiers: Orphanet 140162, MedGen C0027672, MeSH D009386, MONDO:0015356.
Birt-Hogg-Dube syndrome. Also called: Birt Hogg Dubé syndrome. Identifiers: Orphanet 122, MedGen C0346010, MONDO:0800444.
Nonpapillary renal cell carcinoma. Identifiers: Orphanet 422526, MedGen CN074294, MONDO:0007763, OMIM 144700.
Colorectal cancer. Also called: Colorectal cancer, somatic; Malignant Colorectal Neoplasm. Identifiers: MedGen C0346629, MONDO:0005575, OMIM 114500.
Familial spontaneous pneumothorax (PSP). Identifiers: Orphanet 2903, MedGen C1868193, MONDO:0008259, OMIM 173600.
17p11.2 microduplication syndrome (PTLS). Also called: CHROMOSOME 17p11.2 DUPLICATION SYNDROME; Potocki-Lupski syndrome; Duplication 17p11.2 syndrome; Potocki-Lupski syndrome (dup(17)(p11.2p11.2)). Identifiers: Orphanet 1713, MedGen C2931246, MONDO:0012574, OMIM 610883.

Allele frequency attached by ClinVar (database versions not stated): gnomAD 0.00001; TOPMed 0.00001.
gnomAD v4.1: 7 of 1,614,074 alleles (0.00043%); highest among the groups gnomAD compares: African/African-American, 0.0027%; no homozygotes.

Submissions (5):

Labcorp Genetics (formerly Invitae), Labcorp
Classification: Uncertain significance for Birt-Hogg-Dube syndrome. Last evaluated: 2025-12-20. Review status: criteria provided, single submitter. Criteria: Invitae Variant Classification Sherloc (09022015). Collection method: clinical testing. Allele origin: germline.
Comment: This sequence change replaces glycine, which is neutral and non-polar, with valine, which is neutral and non-polar, at codon 84 of the FLCN protein (p.Gly84Val). This variant is not present in population databases (gnomAD no frequency). This variant has not been reported in the literature in individuals affected with FLCN-related conditions. ClinVar contains an entry for this variant (Variation ID: 1676938). An algorithm developed to predict the effect of missense changes on protein structure and function (PolyPhen-2) suggests that this variant is likely to be tolerated. In summary, the available evidence is currently insufficient to determine the role of this variant in disease. Therefore, it has been classified as a Variant of Uncertain Significance.

Dasa
Classification: Uncertain significance. Last evaluated: 2025-09-18. Review status: criteria provided, single submitter. Criteria: DASA Assertion Criteria. Collection method: clinical testing. Allele origin: germline.
Comment: NM_144997.7(FLCN):c.251G>T (p.Gly84Val) is a missense variant that results in the substitution of glycine with valine. This variant is rare in population databases. Computational prediction algorithms are consistent with a deleterious effect. The currently available literature and clinical evidence are not sufficient to establish a definitive association between this variant and the reported condition. Therefore, this variant is classified as a variant of uncertain significance.

Ambry Genetics
Classification: Uncertain significance for Hereditary cancer-predisposing syndrome. Last evaluated: 2025-07-02. Review status: criteria provided, single submitter. Criteria: Ambry Variant Classification Scheme 2023. Collection method: clinical testing. Allele origin: germline.
Comment: The p.G84V variant (also known as c.251G>T), located in coding exon 2 of the FLCN gene, results from a G to T substitution at nucleotide position 251. The glycine at codon 84 is replaced by valine, an amino acid with dissimilar properties. This amino acid position is highly conserved in available vertebrate species. In addition, this alteration is predicted to be deleterious by in silico analysis. Since supporting evidence is limited at this time, the clinical significance of this alteration remains unclear.

GeneDx
Classification: Uncertain significance. Last evaluated: 2024-03-28. Review status: criteria provided, single submitter. Criteria: GeneDx Variant Classification Process June 2021. Collection method: clinical testing. Allele origin: germline. Affected: yes.
Comment: Not observed at significant frequency in large population cohorts (gnomAD); In silico analysis supports that this missense variant has a deleterious effect on protein structure/function; Has not been previously published as pathogenic or benign to our knowledge

Fulgent Genetics
Classification: Uncertain significance for Colorectal cancer; Birt-Hogg-Dube syndrome 1; Nonpapillary renal cell carcinoma; Familial spontaneous pneumothorax; 17p11.2 microduplication syndrome. Last evaluated: 2021-09-17. Review status: criteria provided, single submitter. Criteria: ACMG Guidelines, 2015. Collection method: clinical testing. Allele origin: unknown.

NM_144997.7(FLCN):c.251G>T (p.Gly84Val)

Gene: FLCN (folliculin; minus strand). Cytogenetic location: 17p11.2.
Variant type: single nucleotide variant.
Coding change: c.251G>T on transcript NM_144997.7 (MANE Select); coding-DNA position 251, G replaced by T.
Protein change: p.Gly84Val; replaces glycine 84 with valine.
Molecular consequence: missense variant.
Genome position (GRCh38, 1-based): chr17:17,226,321, C>A on the plus strand (G>T on the coding strand, the complement: FLCN is on the minus strand). VCF-style: chr17-17226321-C-A. GRCh37 (hg19) VCF-style: chr17-17129635-C-A.
Other names: c.251G>T, p.Gly84Val (NM_001353229.2, NM_001353230.2, NM_001353231.2 and 1 more transcripts); short protein forms G84V.
Identifiers: ClinVar variation 1676938 (VCV001676938.14), dbSNP rs1386417463, ClinGen allele CA398534994.